The following is an entry in ClinVar:

ClinVar aggregate classification (germline): Likely benign. Review status: reviewed by expert panel (3 of 4 stars). 5 submissions from 5 submitters: Likely benign (1). 4 of the submissions do not count toward it. Last evaluated 2017-06-29.

Conditions:
Hereditary cancer-predisposing syndrome. Also called: Tumor predisposition; Hereditary Cancer Syndrome; Neoplastic Syndromes, Hereditary; Hereditary neoplastic syndrome. Identifiers: Orphanet 140162, MedGen C0027672, MeSH D009386, MONDO:0015356.
Hereditary breast ovarian cancer syndrome. Also called: Hereditary breast and/or ovarian cancer syndrome; BRCA1- and BRCA2-Associated Hereditary Breast and Ovarian Cancer; Hereditary breast and ovarian cancer; Hereditary breast and ovarian cancer syndrome (HBOC); Breast and ovarian cancer; Hereditary breast and ovarian cancer syndrome. Identifiers: Orphanet 145, MedGen C0677776, MeSH D061325, MONDO:0003582. Disease mechanism: loss of function.
Breast-ovarian cancer, familial, susceptibility to, 2 (BROVCA2). Also called: BRCA2 Hereditary Breast and Ovarian Cancer. Identifiers: Orphanet 145, MedGen C2675520, MONDO:0012933, OMIM 612555. Disease mechanism: loss of function.

Submissions (5):

Evidence-based Network for the Interpretation of Germline Mutant Alleles (ENIGMA)
Classification: Likely benign for Breast-ovarian cancer, familial, susceptibility to, 2. Last evaluated: 2017-06-29. Review status: reviewed by expert panel. Criteria: ENIGMA BRCA1/2 Classification Criteria (2017-06-29). Collection method: curation. Allele origin: germline.
Comment: Synonymous substitution variant, with low bioinformatic likelihood to result in a splicing aberration (Splicing prior probability 0.02).

Labcorp Genetics (formerly Invitae), Labcorp
Classification: Likely benign for Hereditary breast ovarian cancer syndrome. Last evaluated: 2023-04-08. Review status: criteria provided, single submitter. Criteria: Invitae Variant Classification Sherloc (09022015). Collection method: clinical testing. Allele origin: germline. Not counted in ClinVar's aggregate classification.

All of Us Research Program, National Institutes of Health
Classification: Likely benign for Breast-ovarian cancer, familial, susceptibility to, 2. Last evaluated: 2023-03-09. Review status: criteria provided, single submitter. Criteria: ACMG Guidelines, 2015. Collection method: clinical testing. Allele origin: germline. Inheritance: Autosomal dominant inheritance. Observed: 1 variant allele, 1 heterozygote. Not counted in ClinVar's aggregate classification.
Comment: This study involves interpretation of variants in research participants for the purpose of population health screening. Participant phenotype was not available at the time of variant classification. Additional details can be found in publication PMID: 35346344, PMCID: PMC8962531

Ambry Genetics
Classification: Likely benign for Hereditary cancer-predisposing syndrome. Last evaluated: 2021-08-23. Review status: criteria provided, single submitter. Criteria: Ambry Variant Classification Scheme 2023. Collection method: clinical testing. Allele origin: germline. Not counted in ClinVar's aggregate classification.

Sema4
Classification: Likely benign for Hereditary cancer-predisposing syndrome. Last evaluated: 2021-08-10. Review status: criteria provided, single submitter. Criteria: Sema4 Curation Guidelines. Collection method: curation. Allele origin: germline. Not counted in ClinVar's aggregate classification.

NM_000059.4(BRCA2):c.7971A>G (p.Lys2657=)

Gene: BRCA2 (BRCA2 DNA repair associated; plus strand). Cytogenetic location: 13q13.1.
Variant type: single nucleotide variant.
Coding change: c.7971A>G on transcript NM_000059.4 (MANE Select); coding-DNA position 7971, A replaced by G.
Protein change: p.Lys2657=; no amino-acid change (lysine 2657 retained).
Molecular consequence: synonymous variant.
Genome position (GRCh38, 1-based): chr13:32,362,688, A>G. VCF-style: chr13-32362688-A-G. GRCh37 (hg19) VCF-style: chr13-32936825-A-G.
Identifiers: ClinVar variation 215618 (VCV000215618.15), dbSNP rs863224312, ClinGen allele CA338244.